The following is an entry in ClinVar:

NM_001081.4(CUBN):c.2738G>C (p.Ser913Thr)

Gene: CUBN (cubilin; minus strand). Cytogenetic location: 10p13.
Variant type: single nucleotide variant.
Coding change: c.2738G>C on transcript NM_001081.4 (MANE Select); coding-DNA position 2738, G replaced by C.
Protein change: p.Ser913Thr; replaces serine 913 with threonine.
Molecular consequence: missense variant.
Genome position (GRCh38, 1-based): chr10:17,068,658, C>G on the plus strand (G>C on the coding strand, the complement: CUBN is on the minus strand). VCF-style: chr10-17068658-C-G. GRCh37 (hg19) VCF-style: chr10-17110657-C-G.
Other names: p.Ser913Thr; short protein forms S913T.
Identifiers: ClinVar variation 1382019 (VCV001382019.8), dbSNP rs201589187, ClinGen allele CA5424884.

ClinVar aggregate classification (germline): Uncertain significance. Review status: criteria provided, multiple submitters, no conflicts (2 of 4 stars). 3 submissions from 3 submitters: Uncertain significance (3). Last evaluated 2022-12-08.

Conditions:
Imerslund-Grasbeck syndrome. Also called: PERNICIOUS ANEMIA, JUVENILE, DUE TO SELECTIVE INTESTINAL MALABSORPTION OF VITAMIN B12, WITH PROTEINURIA; Megaloblastic anemia due to inborn errors of metabolism; ENTEROCYTE COBALAMIN MALABSORPTION; ENTEROCYTE INTRINSIC FACTOR RECEPTOR, DEFECT OF; Imerslund-Gräsbeck syndrome. Identifiers: Orphanet 35858, MedGen C4551825, MONDO:0009853.
Proteinuria, chronic benign. Identifiers: MedGen C5394384, MONDO:0030042, OMIM 618884.
Imerslund-Grasbeck syndrome type 1 (IGS1). Also called: Imerslund-Gräsbeck syndrome 1; Megaloblastic anemia 1, Finnish type; MEGALOBLASTIC ANEMIA, 1. Identifiers: MedGen C4016819, MONDO:0100156, OMIM 261100.

Allele frequency attached by ClinVar (database versions not stated): TOPMed below 0.00001; 1000 Genomes Project 30x 0.00078; 1000 Genomes Project 0.00080; gnomAD exomes 0.00012; ExAC 0.00014.
gnomAD v4.1: 73 of 1,613,024 alleles (0.0045%); highest among the groups gnomAD compares: South Asian, 0.079%; no homozygotes.

Submissions (3):

Mayo Clinic Laboratories, Mayo Clinic
Classification: Uncertain significance. Last evaluated: 2022-12-08. Review status: criteria provided, single submitter. Criteria: ACMG Guidelines, 2015. Collection method: clinical testing. Allele origin: germline. Observed: 1 variant allele.
Comment: BP4, PM2

Labcorp Genetics (formerly Invitae), Labcorp
Classification: Uncertain significance for Imerslund-Grasbeck syndrome. Last evaluated: 2022-03-11. Review status: criteria provided, single submitter. Criteria: Invitae Variant Classification Sherloc (09022015). Collection method: clinical testing. Allele origin: germline.
Comment: This sequence change replaces serine, which is neutral and polar, with threonine, which is neutral and polar, at codon 913 of the CUBN protein (p.Ser913Thr). In summary, the available evidence is currently insufficient to determine the role of this variant in disease. Therefore, it has been classified as a Variant of Uncertain Significance. Algorithms developed to predict the effect of missense changes on protein structure and function are either unavailable or do not agree on the potential impact of this missense change (SIFT: "Tolerated"; PolyPhen-2: "Probably Damaging"; Align-GVGD: "Class C0"). This variant has not been reported in the literature in individuals affected with CUBN-related conditions. This variant is present in population databases (rs201589187, gnomAD 0.1%).

Fulgent Genetics
Classification: Uncertain significance for Imerslund-Grasbeck syndrome type 1; Proteinuria, chronic benign. Last evaluated: 2022-02-25. Review status: criteria provided, single submitter. Criteria: ACMG Guidelines, 2015. Collection method: clinical testing. Allele origin: unknown.